The following is an entry in ClinVar:

ClinVar aggregate classification (germline): Benign. Review status: criteria provided, multiple submitters, no conflicts (2 of 4 stars). 3 submissions from 3 submitters: Benign (3). Last evaluated 2023-09-01.

Allele frequency attached by ClinVar (database versions not stated): 1000 Genomes Project 30x 0.00375; 1000 Genomes Project 0.00379; TOPMed 0.00770; gnomAD 0.00842 and 0.00845; ESP Exome Variant Server 0.00869; ExAC 0.00881; gnomAD exomes 0.00882 and 0.01192.
gnomAD v4.1: 18,506 of 1,605,452 alleles (1.2%); highest among the groups gnomAD compares: Non-Finnish European, 1.3%; 161 homozygotes.

Submissions (3):

CeGaT Center for Human Genetics Tuebingen
Classification: Benign. Last evaluated: 2023-09-01. Review status: criteria provided, single submitter. Criteria: CeGaT Center For Human Genetics Tuebingen Variant Classification Criteria Version 2. Collection method: clinical testing. Allele origin: germline. Affected: yes. Observed: 1 variant allele.
Comment: LMO7: BP4, BS1, BS2

Labcorp Genetics (formerly Invitae), Labcorp
Classification: Benign. Last evaluated: 2018-06-08. Review status: criteria provided, single submitter. Criteria: Invitae Variant Classification Sherloc (09022015). Collection method: clinical testing. Allele origin: germline.

Breakthrough Genomics
Classification: Benign. Review status: criteria provided, single submitter. Criteria: ACMG Guidelines, 2015. Collection method: not provided. Allele origin: germline. Inheritance: Unknown mechanism. Affected: yes.

NM_001306080.2(LMO7):c.2650G>A (p.Ala884Thr)

Gene: LMO7 (LIM domain 7; plus strand). Cytogenetic location: 13q22.2.
Variant type: single nucleotide variant.
Coding change: c.2650G>A on transcript NM_001306080.2 (MANE Select); coding-DNA position 2650, G replaced by A.
Protein change: p.Ala884Thr; replaces alanine 884 with threonine.
Molecular consequence: missense variant.
Genome position (GRCh38, 1-based): chr13:75,823,574, G>A. VCF-style: chr13-75823574-G-A. GRCh37 (hg19) VCF-style: chr13-76397710-G-A.
Other names: c.1951G>A, p.Ala651Thr (NM_001330583.1, NM_001366632.2, NM_015842.2); c.2524G>A, p.Ala842Thr (NM_001366633.2); c.1669G>A, p.Ala557Thr (NM_001366634.2, NM_001366636.2); c.1804G>A, p.Ala602Thr (NM_005358.5); short protein forms A557T, A842T, A602T, A651T, A884T.
Identifiers: ClinVar variation 770421 (VCV000770421.28), dbSNP rs142994139, ClinGen allele CA7005827.
Genomic context (GRCh38, chr13:75,823,574, plus strand): 5'-AGAAATAAAGGTAACAGAATATCAAGTTTAAAATGATGTTTTCTTATTTAGATGGATGAT[G>A]CTTGGAAGTATAATGGAGATGTTGAAGACATTAAGAGAACTCCAAACAATGTGGTCAGCA-3'
Protein context (NP_001293009.1, residues 874-894): SLPRSYTMDD[Ala884Thr]WKYNGDVEDI